The following is an entry in ClinVar:

ClinVar aggregate classification (germline): Uncertain significance (1 of 4 stars; one submission).

Conditions:
Hereditary cancer-predisposing syndrome. Also called: Hereditary neoplastic syndrome; Tumor predisposition; Hereditary Cancer Syndrome; Neoplastic Syndromes, Hereditary. Identifiers: Orphanet 140162, MedGen C0027672, MeSH D009386, MONDO:0015356.

Submission:

Labcorp Genetics (formerly Invitae), Labcorp
Classification: Uncertain significance for Hereditary cancer-predisposing syndrome. Last evaluated: 2022-04-23. Review status: criteria provided, single submitter. Criteria: Invitae Variant Classification Sherloc (09022015). Collection method: clinical testing. Allele origin: germline.
Comment: In summary, the available evidence is currently insufficient to determine the role of this variant in disease. Therefore, it has been classified as a Variant of Uncertain Significance. Algorithms developed to predict the effect of missense changes on protein structure and function (SIFT, PolyPhen-2, Align-GVGD) all suggest that this variant is likely to be tolerated. This variant has not been reported in the literature in individuals affected with RAD50-related conditions. This variant is not present in population databases (gnomAD no frequency). This sequence change replaces glutamine, which is neutral and polar, with lysine, which is basic and polar, at codon 1011 of the RAD50 protein (p.Gln1011Lys).

NM_005732.4(RAD50):c.3031C>A (p.Gln1011Lys)

Gene: RAD50 (RAD50 double strand break repair protein; plus strand). Cytogenetic location: 5q31.1.
Variant type: single nucleotide variant.
Coding change: c.3031C>A on transcript NM_005732.4 (MANE Select); coding-DNA position 3031, C replaced by A.
Protein change: p.Gln1011Lys; replaces glutamine 1011 with lysine.
Molecular consequence: missense variant.
Genome position (GRCh38, 1-based): chr5:132,609,391, C>A. VCF-style: chr5-132609391-C-A. GRCh37 (hg19) VCF-style: chr5-131945083-C-A.
Other names: short protein forms Q1011K.
Identifiers: ClinVar variation 2129573 (VCV002129573.4), dbSNP rs1751045993, ClinGen allele CA360961097.